The following is an entry in ClinVar:

ClinVar aggregate classification (germline): Uncertain significance. Review status: criteria provided, multiple submitters, no conflicts (2 of 4 stars). 3 submissions from 3 submitters: Uncertain significance (3). Last evaluated 2024-11-09.

Conditions:
Inborn genetic diseases. Identifiers: MedGen C0950123, MeSH D030342.
Pseudohypoaldosteronism type 2B (PHA2B). Also called: Pseudohypoaldosteronism Type IIB. Identifiers: Orphanet 757, Orphanet 88939, MedGen C1840390, MONDO:0013777, OMIM 614491.

gnomAD v4.1: 79 of 1,614,148 alleles (0.0049%); highest among the groups gnomAD compares: East Asian, 0.0067%; no homozygotes.

Submissions (3):

Ambry Genetics
Classification: Uncertain significance for Inborn genetic diseases. Last evaluated: 2024-11-09. Review status: criteria provided, single submitter. Criteria: Ambry Variant Classification Scheme 2023. Collection method: clinical testing. Allele origin: germline.

Fulgent Genetics
Classification: Uncertain significance for Pseudohypoaldosteronism type 2B. Last evaluated: 2024-03-14. Review status: criteria provided, single submitter. Criteria: ACMG Guidelines, 2015. Collection method: clinical testing. Allele origin: germline.

GeneDx
Classification: Uncertain significance. Last evaluated: 2023-10-23. Review status: criteria provided, single submitter. Criteria: GeneDx Variant Classification Process June 2021. Collection method: clinical testing. Allele origin: germline. Affected: yes.
Comment: In silico analysis supports that this missense variant has a deleterious effect on protein structure/function; Has not been previously published as pathogenic or benign to our knowledge

NM_032387.5(WNK4):c.1562G>A (p.Arg521His)

Gene: WNK4 (WNK lysine deficient protein kinase 4; plus strand). Cytogenetic location: 17q21.2.
Variant type: single nucleotide variant.
Coding change: c.1562G>A on transcript NM_032387.5 (MANE Select); coding-DNA position 1562, G replaced by A.
Protein change: p.Arg521His; replaces arginine 521 with histidine.
Molecular consequence: missense variant.
Genome position (GRCh38, 1-based): chr17:42,787,363, G>A. VCF-style: chr17-42787363-G-A. GRCh37 (hg19) VCF-style: chr17-40939381-G-A.
Other names: c.554G>A, p.Arg185His (NM_001321299.2); short protein forms R185H, R521H.
Identifiers: ClinVar variation 3363214 (VCV003363214.3).